The following is an entry in ClinVar:

ClinVar aggregate classification (germline): Likely benign. Review status: criteria provided, multiple submitters, no conflicts (2 of 4 stars). 4 submissions from 4 submitters: Likely benign (4). Last evaluated 2023-11-30.

Conditions:
Cardiovascular phenotype. Identifiers: MedGen CN230736.
Cardiac arrhythmia. Also called: Arrhythmia; Cardiac rhythm disease. Identifiers: MedGen C0003811, MONDO:0007263, HP:0011675.
Long QT syndrome (LQTS). Identifiers: MedGen C0023976, MeSH D008133, MONDO:0002442. Disease mechanism: loss of function. Inheritance: Various modes of inheritance.

Allele frequency attached by ClinVar (database versions not stated): gnomAD exomes below 0.00001; ExAC 0.00001; TOPMed 0.00001.
gnomAD v4.1: 1 of 1,614,178 alleles (0.000062%); highest among the groups gnomAD compares: East Asian, 0.0022%; no homozygotes.

Submissions (4):

All of Us Research Program, National Institutes of Health
Classification: Likely benign for Long QT syndrome. Last evaluated: 2023-11-30. Review status: criteria provided, single submitter. Criteria: ACMG Guidelines, 2015. Collection method: clinical testing. Allele origin: germline. Inheritance: Autosomal dominant inheritance. Observed: 2 variant alleles, 2 heterozygotes.
Comment: This study involves interpretation of variants in research participants for the purpose of population health screening. Participant phenotype was not available at the time of variant classification. Additional details can be found in publication PMID: 35346344, PMCID: PMC8962531

Labcorp Genetics (formerly Invitae), Labcorp
Classification: Likely benign for Long QT syndrome. Last evaluated: 2023-04-18. Review status: criteria provided, single submitter. Criteria: Invitae Variant Classification Sherloc (09022015). Collection method: clinical testing. Allele origin: germline.

Color Diagnostics, LLC DBA Color Health
Classification: Likely benign for Cardiac arrhythmia. Last evaluated: 2021-06-14. Review status: criteria provided, single submitter. Criteria: ACMG Guidelines, 2015. Collection method: clinical testing. Allele origin: germline.

Ambry Genetics
Classification: Likely benign for Cardiovascular phenotype. Last evaluated: 2020-08-11. Review status: criteria provided, single submitter. Criteria: Ambry Variant Classification Scheme 2023. Collection method: clinical testing. Allele origin: germline.

NM_000238.4(KCNH2):c.315C>T (p.Cys105=)

Gene: KCNH2 (potassium voltage-gated channel subfamily H member 2; minus strand). Cytogenetic location: 7q36.1.
Variant type: single nucleotide variant.
Coding change: c.315C>T on transcript NM_000238.4 (MANE Select); coding-DNA position 315, C replaced by T.
Protein change: p.Cys105=; no amino-acid change (cysteine 105 retained).
Molecular consequence: synonymous variant. On other transcripts: non-coding transcript variant (1).
Genome position (GRCh38, 1-based): chr7:150,959,729, G>A on the plus strand (C>T on the coding strand, the complement: KCNH2 is on the minus strand). VCF-style: chr7-150959729-G-A. GRCh37 (hg19) VCF-style: chr7-150656817-G-A.
Other names: c.27C>T, p.Cys9= (NM_001406753.1, NM_001406756.1); c.138C>T, p.Cys46= (NM_001406755.1); c.15C>T, p.Cys5= (NM_001406757.1); c.315C>T, p.Cys105= (NM_172056.3).
Identifiers: ClinVar variation 1331805 (VCV001331805.15), dbSNP rs772377097, ClinGen allele CA037631.
Genomic context (GRCh38, chr7:150,959,729, plus strand): 5'-GAACATGATGACAGCCCCATCCTCGTTCTTCACGGGCACCACATCCACCAGACATAGGAA[G>A]CAGCTCCCTGCAGAGTGGGAGGACATAGCCCCCTTGGCACCCACTCAGTGGGCAGAGCAG-3'
Protein context (NP_000229.1, residues 95-115): EIAFYRKDGS[Cys105=]FLCLVDVVPV